The following is an entry in ClinVar:

ClinVar aggregate classification (germline): Pathogenic (1 of 4 stars; one submission).

Conditions:
Glycine encephalopathy. Also called: Non-ketotic hyperglycinemia; Nonketotic hyperglycinemia. Identifiers: Orphanet 407, MedGen C0751748, MONDO:0011612, HP:0008288.

Submission:

Labcorp Genetics (formerly Invitae), Labcorp
Classification: Pathogenic for Glycine encephalopathy. Last evaluated: 2022-06-10. Review status: criteria provided, single submitter. Criteria: Invitae Variant Classification Sherloc (09022015). Collection method: clinical testing. Allele origin: germline.
Comment: This variant has not been reported in the literature in individuals affected with AMT-related conditions. For these reasons, this variant has been classified as Pathogenic. This variant is not present in population databases (gnomAD no frequency). This sequence change creates a premature translational stop signal (p.Ser216Trpfs*60) in the AMT gene. It is expected to result in an absent or disrupted protein product. Loss-of-function variants in AMT are known to be pathogenic (PMID: 16450403).

Literature cited by the submitters: PubMed 16450403.

NM_000481.4(AMT):c.645_646del (p.Ser216fs)

Gene: AMT (aminomethyltransferase; minus strand). Cytogenetic location: 3p21.31.
Variant type: Microsatellite.
Coding change: c.645_646del on transcript NM_000481.4 (MANE Select); coding-DNA positions 645 to 646, 2 bases deleted (GT; older notation c.645_646delGT).
Protein change: p.Ser216fs; shifts the reading frame from serine 216.
Molecular consequence: frameshift variant. On other transcripts: non-coding transcript variant (1).
Genome position (GRCh38, 1-based): chr3:49,419,310-49,419,311, AC deleted on the plus strand (GT on the coding strand, the reverse complement: AMT is on the minus strand); deleting any 2 consecutive bases within chr3:49,419,310-49,419,313 gives the same sequence; the c. name uses the placement nearest the transcript's 3' end. VCF-style (leftmost placement, unchanged base first): chr3-49419309-GAC-G. GRCh37 (hg19) VCF-style: chr3-49456742-GAC-G.
Other names: c.513_514del, p.Ser172fs (NM_001164710.2); c.477_478del, p.Ser160fs (NM_001164711.2); c.645_646del, p.Ser216fs (NM_001164712.2); short protein forms S160fs, S172fs, S216fs.
Identifiers: ClinVar variation 2131762 (VCV002131762.4), dbSNP rs2471151168, ClinGen allele CA2580616461.